The following is an entry in ClinVar:

NM_003384.3(VRK1):c.307C>T (p.Arg103Cys)

Gene: VRK1 (VRK serine/threonine kinase 1; plus strand). Cytogenetic location: 14q32.2.
Variant type: single nucleotide variant.
Coding change: c.307C>T on transcript NM_003384.3 (MANE Select); coding-DNA position 307, C replaced by T.
Protein change: p.Arg103Cys; replaces arginine 103 with cysteine.
Molecular consequence: missense variant.
Genome position (GRCh38, 1-based): chr14:96,847,277, C>T. VCF-style: chr14-96847277-C-T. GRCh37 (hg19) VCF-style: chr14-97313614-C-T.
Other names: short protein forms R103C.
Identifiers: ClinVar variation 575292 (VCV000575292.7), dbSNP rs755450815, ClinGen allele CA7338935.

ClinVar aggregate classification (germline): Uncertain significance. Review status: criteria provided, multiple submitters, no conflicts (2 of 4 stars). 3 submissions from 3 submitters: Uncertain significance (2). 1 of the submissions does not count toward it. Last evaluated 2023-02-01.

Conditions:
Pontocerebellar hypoplasia type 1A (PCH1A). Also called: PONTOCEREBELLAR HYPOPLASIA WITH ANTERIOR HORN CELL DISEASE; PONTOCEREBELLAR HYPOPLASIA WITH INFANTILE SPINAL MUSCULAR ATROPHY. Identifiers: Orphanet 2254, Orphanet 88616, MedGen C1843504, MONDO:0011866, OMIM 607596.
Congenital pontocerebellar hypoplasia type 1. Also called: Pontocerebellar hypoplasia type 1. Identifiers: Orphanet 2254, MedGen C5442006, MONDO:0016396.
Inborn genetic diseases. Identifiers: MedGen C0950123, MeSH D030342.

Allele frequency attached by ClinVar (database versions not stated): gnomAD exomes below 0.00001 and 0.00001; ExAC 0.00001; TOPMed 0.00001; gnomAD 0.00002.
gnomAD v4.1: 17 of 1,613,476 alleles (0.0011%); highest among the groups gnomAD compares: African/African-American, 0.0027%; no homozygotes.

Submissions (3):

Ambry Genetics
Classification: Uncertain significance for Inborn genetic diseases. Last evaluated: 2023-02-01. Review status: criteria provided, single submitter. Criteria: Ambry Variant Classification Scheme 2023. Collection method: clinical testing. Allele origin: germline.

Labcorp Genetics (formerly Invitae), Labcorp
Classification: Uncertain significance for Pontocerebellar hypoplasia type 1A. Last evaluated: 2021-09-01. Review status: criteria provided, single submitter. Criteria: Invitae Variant Classification Sherloc (09022015). Collection method: clinical testing. Allele origin: germline.
Comment: This sequence change replaces arginine with cysteine at codon 103 of the VRK1 protein (p.Arg103Cys). The arginine residue is weakly conserved and there is a large physicochemical difference between arginine and cysteine. This variant is present in population databases (rs755450815, ExAC 0.002%). This variant has not been reported in the literature in individuals affected with VRK1-related conditions. Algorithms developed to predict the effect of missense changes on protein structure and function (SIFT, PolyPhen-2, Align-GVGD) all suggest that this variant is likely to be disruptive. In summary, the available evidence is currently insufficient to determine the role of this variant in disease. Therefore, it has been classified as a Variant of Uncertain Significance.

Natera, Inc.
Classification: Uncertain significance for Pontocerebellar hypoplasia type 1. Last evaluated: 2020-09-16. Review status: no assertion criteria provided. Collection method: clinical testing. Allele origin: germline. Not counted in ClinVar's aggregate classification.